The following is an entry in ClinVar:

NM_024570.4(RNASEH2B):c.510+3A>G

Gene: RNASEH2B (ribonuclease H2 subunit B; plus strand). Cytogenetic location: 13q14.3.
Variant type: single nucleotide variant.
Coding change: c.510+3A>G on transcript NM_024570.4 (MANE Select); 3 bases into the intron after coding-DNA position 510, A replaced by G.
Molecular consequence: intron variant.
Genome position (GRCh38, 1-based): chr13:50,943,397, A>G. VCF-style: chr13-50943397-A-G. GRCh37 (hg19) VCF-style: chr13-51517533-A-G.
Other names: c.510+3A>G (NM_001142279.2).
Identifiers: ClinVar variation 1418002 (VCV001418002.3), dbSNP rs1387848478, ClinGen allele CA609912325.
Genomic context (GRCh38, chr13:50,943,397, plus strand): 5'-CAACAAGAAATATTACAAGTACAGCAAAGAGAAGACATTAAAGTGGCTGGAAAAAAAGGT[A>G]TAGTTCCTCTCTAGTGCCTTGTGGTAAAAGTAAAAATTCAGTTCTCTAAGAAATTTTCAG-3'

ClinVar aggregate classification (germline): Uncertain significance (1 of 4 stars; one submission).

Conditions:
Aicardi-Goutieres syndrome 2. Identifiers: Orphanet 51, MedGen C3489724, MONDO:0012429, OMIM 610181.

Allele frequency attached by ClinVar (database versions not stated): gnomAD exomes below 0.00001 and 0.00001; TOPMed 0.00001.
gnomAD v4.1: 11 of 1,590,360 alleles (0.00069%); highest among the groups gnomAD compares: Admixed American, 0.0017%; no homozygotes.

Submission:

Labcorp Genetics (formerly Invitae), Labcorp
Classification: Uncertain significance for Aicardi-Goutieres syndrome 2. Last evaluated: 2022-01-16. Review status: criteria provided, single submitter. Criteria: Invitae Variant Classification Sherloc (09022015). Collection method: clinical testing. Allele origin: germline.
Comment: This sequence change falls in intron 6 of the RNASEH2B gene. It does not directly change the encoded amino acid sequence of the RNASEH2B protein. It affects a nucleotide within the consensus splice site. This variant is present in population databases (no rsID available, gnomAD 0.003%). This variant has not been reported in the literature in individuals affected with RNASEH2B-related conditions. Variants that disrupt the consensus splice site are a relatively common cause of aberrant splicing (PMID: 17576681, 9536098). Algorithms developed to predict the effect of sequence changes on RNA splicing suggest that this variant may disrupt the consensus splice site. In summary, the available evidence is currently insufficient to determine the role of this variant in disease. Therefore, it has been classified as a Variant of Uncertain Significance.

Literature cited by the submitters: PubMed 17576681; PubMed 9536098.